The following is an entry in ClinVar:

ClinVar aggregate classification (germline): Uncertain significance. Review status: criteria provided, multiple submitters, no conflicts (2 of 4 stars). 3 submissions from 3 submitters: Uncertain significance (3). Last evaluated 2024-12-16.

Conditions:
Inborn genetic diseases. Identifiers: MedGen C0950123, MeSH D030342.

Allele frequency attached by ClinVar (database versions not stated): gnomAD 0.00001.

Submissions (3):

Women's Health and Genetics/Laboratory Corporation of America, LabCorp
Classification: Uncertain significance. Last evaluated: 2024-12-16. Review status: criteria provided, single submitter. Criteria: LabCorp Variant Classification Summary - May 2015. Collection method: clinical testing. Allele origin: germline.
Comment: Variant summary: SRCAP c.9677G>A (p.Arg3226His) results in a non-conservative amino acid change in the encoded protein sequence. Five of five in-silico tools predict a damaging effect of the variant on protein function. The variant allele was found at a frequency of 2e-05 in 102412 control chromosomes. The available data on variant occurrences in the general population are insufficient to allow any conclusion about variant significance. To our knowledge, no occurrence of c.9677G>A in individuals affected with Floating-Harbor Syndrome and no experimental evidence demonstrating its impact on protein function have been reported. ClinVar contains an entry for this variant (Variation ID: 2610606). Based on the evidence outlined above, the variant was classified as uncertain significance.

Revvity Omics, Revvity
Classification: Uncertain significance. Last evaluated: 2024-04-04. Review status: criteria provided, single submitter. Criteria: ACMG Guidelines, 2015. Collection method: clinical testing. Allele origin: germline.

Ambry Genetics
Classification: Uncertain significance for Inborn genetic diseases. Last evaluated: 2023-07-11. Review status: criteria provided, single submitter. Criteria: Ambry Variant Classification Scheme 2023. Collection method: clinical testing. Allele origin: germline.

NM_006662.3(SRCAP):c.9677G>A (p.Arg3226His)

Gene: SRCAP (Snf2 related CREBBP activator protein; plus strand). Cytogenetic location: 16p11.2.
Variant type: single nucleotide variant.
Coding change: c.9677G>A on transcript NM_006662.3 (MANE Select); coding-DNA position 9677, G replaced by A.
Protein change: p.Arg3226His; replaces arginine 3226 with histidine.
Molecular consequence: missense variant.
Genome position (GRCh38, 1-based): chr16:30,739,717, G>A. VCF-style: chr16-30739717-G-A. GRCh37 (hg19) VCF-style: chr16-30751038-G-A.
Other names: short protein forms R3226H.
Identifiers: ClinVar variation 2610606 (VCV002610606.5), dbSNP rs771965965, ClinGen allele CA8012977.